The following is an entry in ClinVar:

ClinVar aggregate classification (germline): Likely benign. Review status: criteria provided, multiple submitters, no conflicts (2 of 4 stars). 3 submissions from 3 submitters: Likely benign (3). Last evaluated 2022-03-31.

Conditions:
Tibial muscular dystrophy (TMD). Also called: Tibial muscular dystrophy, tardive; UDD MYOPATHY; Udd Distal Myopathy – Tibial Muscular Dystrophy. Identifiers: Orphanet 609, MedGen C1838244, MONDO:0010870, OMIM 600334.
Autosomal recessive limb-girdle muscular dystrophy type 2J (LGMDR10). Also called: Limb-girdle muscular dystrophy, type 2J; MUSCULAR DYSTROPHY, LIMB-GIRDLE, AUTOSOMAL RECESSIVE 10. Identifiers: Orphanet 140922, MedGen C1837342, MONDO:0012127, OMIM 608807.
Hypertrophic cardiomyopathy 9. Also called: Familial hypertrophic cardiomyopathy 9. Identifiers: MedGen C1861065, MONDO:0013412, OMIM 613765.
Dilated cardiomyopathy 1G (CMD1G). Identifiers: Orphanet 154, MedGen C1858763, MONDO:0011400, OMIM 604145.
Myopathy, myofibrillar, 9, with early respiratory failure (MFM9). Also called: Hereditary myopathy with early respiratory failure; EDSTROM MYOPATHY; MYOPATHY, PROXIMAL, WITH EARLY RESPIRATORY MUSCLE INVOLVEMENT; Myopathy, distal, with early respiratory failure, autosomal dominant. Identifiers: Orphanet 178464, Orphanet 34521, MedGen C1863599, MONDO:0011362, OMIM 603689.
Early-onset myopathy with fatal cardiomyopathy (CMYO5). Also called: CONGENITAL MYOPATHY 5 WITH CARDIOMYOPATHY; Salih Myopathy. Identifiers: Orphanet 289377, MedGen C2673677, MONDO:0012714, OMIM 611705. Disease mechanism: loss of function.

Allele frequency attached by ClinVar (database versions not stated): gnomAD 0.00003; gnomAD exomes 0.00006 and 0.00002; ESP Exome Variant Server 0.00008; ExAC 0.00002; TOPMed 0.00002.
gnomAD v4.1: 83 of 1,613,102 alleles (0.0051%); highest among the groups gnomAD compares: Non-Finnish European, 0.0069%; no homozygotes.

Submissions (3):

Fulgent Genetics
Classification: Likely benign for Tibial muscular dystrophy; Myopathy, myofibrillar, 9, with early respiratory failure; Dilated cardiomyopathy 1G; Autosomal recessive limb-girdle muscular dystrophy type 2J; Early-onset myopathy with fatal cardiomyopathy; Hypertrophic cardiomyopathy 9. Last evaluated: 2022-03-31. Review status: criteria provided, single submitter. Criteria: ACMG Guidelines, 2015. Collection method: clinical testing. Allele origin: unknown.

Blueprint Genetics
Classification: Likely benign. Last evaluated: 2021-09-05. Review status: criteria provided, single submitter. Criteria: ACMG Guidelines, 2015. Collection method: clinical testing. Allele origin: germline.

Laboratory for Molecular Medicine, Mass General Brigham Personalized Medicine
Classification: Likely benign. Last evaluated: 2012-03-19. Review status: criteria provided, single submitter. Criteria: LMM Criteria. Collection method: clinical testing. Allele origin: germline. Observed: 1 variant allele.
Comment: p.Val4930Val in exon 45A of TTN: This variant is not expected to have clinical s ignificance because it does not alter an amino acid residue and is not located w ithin the splice consensus sequence. It has been identified in 1/7020 European A merican chromosomes from a broad population by the NHLBI Exome Sequencing Projec t.

NM_133379.5(TTN):c.14790C>G (p.Val4930=)

Genes: TTN (titin; minus strand), LOC126806432 (CDK7 strongly-dependent group 2 enhancer GRCh37_chr2:179611985-179613184; plus strand). Cytogenetic location: 2q31.2.
Variant type: single nucleotide variant.
Coding change: c.14790C>G on transcript NM_133379.5; coding-DNA position 14790, C replaced by G.
Protein change: p.Val4930=; no amino-acid change (valine 4930 retained).
Molecular consequence: synonymous variant. On other transcripts: intron variant (6).
Genome position (GRCh38, 1-based): chr2:178,747,610, G>C on the plus strand (C>G on the coding strand, the complement: TTN is on the minus strand). VCF-style: chr2-178747610-G-C. GRCh37 (hg19) VCF-style: chr2-179612337-G-C.
Other names: c.10222+5514C>G (NM_003319.4); c.10798+5514C>G (NM_133437.4); c.10597+5514C>G (NM_133432.3); c.10360+5514C>G (NM_133378.4, NM_001256850.1); c.11311+5514C>G (NM_001267550.2).
Identifiers: ClinVar variation 166257 (VCV000166257.7), dbSNP rs370038956, ClinGen allele CA179091.